The following is an entry in ClinVar:

NM_001083962.2(TCF4):c.1406C>T (p.Pro469Leu)

Gene: TCF4 (transcription factor 4; minus strand). Cytogenetic location: 18q21.2.
Variant type: single nucleotide variant.
Coding change: c.1406C>T on transcript NM_001083962.2 (MANE Select); coding-DNA position 1406, C replaced by T.
Protein change: p.Pro469Leu; replaces proline 469 with leucine.
Molecular consequence: missense variant.
Genome position (GRCh38, 1-based): chr18:55,234,628, G>A on the plus strand (C>T on the coding strand, the complement: TCF4 is on the minus strand). VCF-style: chr18-55234628-G-A. GRCh37 (hg19) VCF-style: chr18-52901859-G-A.
Other names: c.1334C>T, p.Pro445Leu (NM_001348218.2, NM_001348219.2, NM_001369583.1 and 5 more transcripts); c.1331C>T, p.Pro444Leu (NM_001348220.1, NM_001369584.1, NM_001369585.1 and 6 more transcripts); c.1406C>T, p.Pro469Leu (NM_001369567.1, NM_001369568.1, NM_001369571.1 and 2 more transcripts); c.1403C>T, p.Pro468Leu (NM_001369569.1, NM_001369570.1, NM_001369573.1 and 2 more transcripts); c.1337C>T, p.Pro446Leu (NM_001369586.1); c.1712C>T, p.Pro571Leu (NM_001243226.3); c.1424C>T, p.Pro475Leu (NM_001243228.2); c.1397C>T, p.Pro466Leu (NM_001243230.2); and 6 more; short protein forms P253L, P308L, P309L, P339L, P398L, P427L, P444L, P445L.
Identifiers: ClinVar variation 1063844 (VCV001063844.9), dbSNP rs2144678172, ClinGen allele CA402531924.

ClinVar aggregate classification (germline): Uncertain significance (1 of 4 stars; one submission).

Conditions:
Pitt-Hopkins syndrome (PTHS). Also called: ENCEPHALOPATHY, SEVERE EPILEPTIC, WITH AUTONOMIC DYSFUNCTION; MENTAL RETARDATION, SYNDROMAL, WITH INTERMITTENT HYPERVENTILATION. Identifiers: Orphanet 2896, MedGen C1970431, MONDO:0012589, OMIM 610954.

Submission:

Labcorp Genetics (formerly Invitae), Labcorp
Classification: Uncertain significance for Pitt-Hopkins syndrome. Last evaluated: 2023-07-14. Review status: criteria provided, single submitter. Criteria: Invitae Variant Classification Sherloc (09022015). Collection method: clinical testing. Allele origin: germline.
Comment: Advanced modeling of protein sequence and biophysical properties (such as structural, functional, and spatial information, amino acid conservation, physicochemical variation, residue mobility, and thermodynamic stability) performed at Invitae indicates that this missense variant is not expected to disrupt TCF4 protein function. ClinVar contains an entry for this variant (Variation ID: 1063844). This variant has not been reported in the literature in individuals affected with TCF4-related conditions. This variant is not present in population databases (gnomAD no frequency). This sequence change replaces proline, which is neutral and non-polar, with leucine, which is neutral and non-polar, at codon 469 of the TCF4 protein (p.Pro469Leu). In summary, the available evidence is currently insufficient to determine the role of this variant in disease. Therefore, it has been classified as a Variant of Uncertain Significance.